The following is an entry in ClinVar:

NC_000009.11:g.(?_97401403)_(97401592_?)del

Gene: FBP1 (fructose-bisphosphatase 1; minus strand). Cytogenetic location: 9q22.32.
Variant type: Deletion.
Identifiers: ClinVar variation 3245071 (VCV003245071.1).

ClinVar aggregate classification (germline): Pathogenic (1 of 4 stars; one submission).

Conditions:
Fructose-biphosphatase deficiency (FBP1D). Also called: Fructose-1,6-Bisphosphatase 1 Deficiency; Fructose-1,6-Diphosphatase Deficiency; Fructose 1,6 Bisphosphatase Deficiency. Identifiers: Orphanet 348, MedGen C0016756, MONDO:0009251, OMIM 229700.

Submission:

Labcorp Genetics (formerly Invitae), Labcorp
Classification: Pathogenic for Fructose-biphosphatase deficiency. Last evaluated: 2024-01-08. Review status: criteria provided, single submitter. Criteria: Invitae Variant Classification Sherloc (09022015). Collection method: clinical testing. Allele origin: unknown.
Comment: This variant is a gross deletion of the genomic region encompassing exon(s) 1 of the FBP1 gene, which includes the initiator codon. This deletion extends beyond the assayed region for this gene and therefore may encompass additional genes. It is expected to result in an absent or disrupted protein product. Loss-of-function variants in FBP1 are known to be pathogenic (PMID: 9382095, 19259699, 27101822). A similar copy number variant has been observed in individual(s) with fructose-1,6-bisphosphatase deficiency (PMID: 11286391). For these reasons, this variant has been classified as Pathogenic.

Literature cited by the submitters: PubMed 9382095; PubMed 19259699; PubMed 27101822; PubMed 11286391.